The following is an entry in ClinVar:

ClinVar aggregate classification (germline): Uncertain significance. Review status: criteria provided, multiple submitters, no conflicts (2 of 4 stars). 2 submissions from 2 submitters: Uncertain significance (2). Last evaluated 2025-09-23.

Conditions:
Inborn genetic diseases. Identifiers: MedGen C0950123, MeSH D030342.

Submissions (2):

Labcorp Genetics (formerly Invitae), Labcorp
Classification: Uncertain significance. Last evaluated: 2025-09-23. Review status: criteria provided, single submitter. Criteria: Invitae Variant Classification Sherloc (09022015). Collection method: clinical testing. Allele origin: germline.
Comment: This sequence change replaces methionine, which is neutral and non-polar, with threonine, which is neutral and polar, at codon 52 of the FOXA2 protein (p.Met52Thr). This variant is present in population databases (rs370372046, gnomAD 0.01%). This variant has not been reported in the literature in individuals affected with FOXA2-related conditions. ClinVar contains an entry for this variant (Variation ID: 3516556). An algorithm developed to predict the effect of missense changes on protein structure and function (PolyPhen-2) suggests that this variant is likely to be disruptive. In summary, the available evidence is currently insufficient to determine the role of this variant in disease. Therefore, it has been classified as a Variant of Uncertain Significance.

Ambry Genetics
Classification: Uncertain significance for Inborn genetic diseases. Last evaluated: 2024-08-21. Review status: criteria provided, single submitter. Criteria: Ambry Variant Classification Scheme 2023. Collection method: clinical testing. Allele origin: germline.

NM_021784.5(FOXA2):c.155T>C (p.Met52Thr)

Gene: FOXA2 (forkhead box A2; minus strand). Cytogenetic location: 20p11.21.
Variant type: single nucleotide variant.
Coding change: c.155T>C on transcript NM_021784.5 (MANE Select); coding-DNA position 155, T replaced by C.
Protein change: p.Met52Thr; replaces methionine 52 with threonine.
Molecular consequence: missense variant.
Genome position (GRCh38, 1-based): chr20:22,583,087, A>G on the plus strand (T>C on the coding strand, the complement: FOXA2 is on the minus strand). VCF-style: chr20-22583087-A-G. GRCh37 (hg19) VCF-style: chr20-22563725-A-G.
Other names: c.137T>C, p.Met46Thr (NM_153675.3); short protein forms M46T, M52T.
Identifiers: ClinVar variation 3516556 (VCV003516556.2).